The following is an entry in ClinVar:

ClinVar aggregate classification (germline): Pathogenic (1 of 4 stars; one submission).

Conditions:
Treacher Collins syndrome 1 (TCS1). Also called: TCOF1-Related Treacher Collins Syndrome. Identifiers: Orphanet 861, MedGen CN315775, MONDO:0007944, OMIM 154500.

Submission:

Institute of Human Genetics, Clinical Exome/Genome Diagnostics Group, University Hospital Bonn
Classification: Pathogenic for Treacher Collins syndrome 1. Review status: criteria provided, single submitter. Criteria: ACMG Guidelines, 2015. Collection method: clinical testing. Allele origin: de novo. Affected: yes. Observed: 1 heterozygote.
Comment: PVS1, PS2, PM2_supporting

NM_001371623.1(TCOF1):c.1102dup (p.Thr368fs)

Gene: TCOF1 (treacle ribosome biogenesis factor 1; plus strand). Cytogenetic location: 5q32.
Variant type: Duplication.
Coding change: c.1102dup on transcript NM_001371623.1 (MANE Select); coding-DNA position 1102, one base duplicated (A; older notation c.1102dupA).
Protein change: p.Thr368fs; shifts the reading frame from threonine 368.
Molecular consequence: frameshift variant.
Genome position (GRCh38, 1-based): chr5:150,374,635, A duplicated; the last of 5 consecutive A bases (chr5:150,374,631-150,374,635); duplicating any one gives the same sequence. VCF-style (leftmost placement, unchanged base first): chr5-150374630-G-GA. GRCh37 (hg19) VCF-style: chr5-149754193-G-GA.
Other names: c.871dup, p.Thr291fs (NM_000356.4, NM_001135245.2); c.1102dup, p.Thr368fs (NM_001008657.3, NM_001135243.2, NM_001135244.2 and 1 more transcripts); short protein forms T291fs, T368fs.
Identifiers: ClinVar variation 3776799 (VCV003776799.1).